The following is an entry in ClinVar:

ClinVar aggregate classification (germline): Uncertain significance (1 of 4 stars; one submission).

Conditions:
Inborn genetic diseases. Identifiers: MedGen C0950123, MeSH D030342.

Submission:

Ambry Genetics
Classification: Uncertain significance for Inborn genetic diseases. Last evaluated: 2025-07-12. Review status: criteria provided, single submitter. Criteria: Ambry Variant Classification Scheme 2023. Collection method: clinical testing. Allele origin: germline.
Comment: The p.H961N variant (also known as c.2881C>A), located in coding exon 16 of the RECQL4 gene, results from a C to A substitution at nucleotide position 2881. The histidine at codon 961 is replaced by asparagine, an amino acid with similar properties. This amino acid position is conserved. Based on the available evidence, the clinical significance of this variant remains unclear.

NM_004260.4(RECQL4):c.2881C>A (p.His961Asn)

Gene: RECQL4 (RecQ like helicase 4; minus strand). Cytogenetic location: 8q24.3.
Variant type: single nucleotide variant.
Coding change: c.2881C>A on transcript NM_004260.4 (MANE Select); coding-DNA position 2881, C replaced by A.
Protein change: p.His961Asn; replaces histidine 961 with asparagine.
Molecular consequence: missense variant. On other transcripts: non-coding transcript variant (3).
Genome position (GRCh38, 1-based): chr8:144,512,646, G>T on the plus strand (C>A on the coding strand, the complement: RECQL4 is on the minus strand). VCF-style: chr8-144512646-G-T. GRCh37 (hg19) VCF-style: chr8-145738029-G-T.
Other names: c.2530C>A, p.His844Asn (NM_001413029.1); c.1744C>A, p.His582Asn (NM_001413030.1, NM_001413032.1, NM_001413027.1); c.1612C>A, p.His538Asn (NM_001413031.1, NM_001413038.1); c.2749C>A, p.His917Asn (NM_001413033.1); c.1810C>A, p.His604Asn (NM_001413034.1, NM_001413035.1, NM_001413021.1 and 4 more transcripts); c.2881C>A, p.His961Asn (NM_001413036.1); c.1678C>A, p.His560Asn (NM_001413037.1); c.2587C>A, p.His863Asn (NM_001413017.1); and 9 more; short protein forms H604N, H895N, H917N, H918N, H472N, H560N, H582N, H607N.
Identifiers: ClinVar variation 4152376 (VCV004152376.1).
Genomic context (GRCh38, chr8:144,512,646, plus strand): 5'-GTGGCCAACAGCCCTGATTCTCCAACCTCGTCTCCAACTGGGCAGGGCGTGCTTACCTGT[G>T]GGCCAGGGCCTGGAGCTGGGCAGGGCCCCCAGGGCAGTTCAGACGGCAATGGGTATAGGT-3'
Protein context (NP_004251.4, residues 951-971): GGPAQLQALA[His961Asn]RCPPLAVCLA